The following is an entry in ClinVar:

ClinVar aggregate classification (germline): Uncertain significance. Review status: criteria provided, single submitter (1 of 4 stars). 2 submissions from 2 submitters: Uncertain significance (1). 1 of the submissions does not count toward it. Last evaluated 2023-02-13.

Conditions:
Charcot-Marie-Tooth disease. Also called: Charcot-Marie-Tooth Neuropathy; Charcot-Marie-Tooth Hereditary Neuropathy. Identifiers: Orphanet 166, MedGen C0007959, MONDO:0015626.
Charcot-Marie-Tooth disease type 2. Also called: Charcot-Marie-Tooth type 2. Identifiers: Orphanet 64746, MedGen C0270914, MONDO:0018993.

Submissions (2):

Labcorp Genetics (formerly Invitae), Labcorp
Classification: Uncertain significance for Charcot-Marie-Tooth disease type 2. Last evaluated: 2023-02-13. Review status: criteria provided, single submitter. Criteria: Invitae Variant Classification Sherloc (09022015). Collection method: clinical testing. Allele origin: germline.
Comment: ClinVar contains an entry for this variant (Variation ID: 637298). Advanced modeling of protein sequence and biophysical properties (such as structural, functional, and spatial information, amino acid conservation, physicochemical variation, residue mobility, and thermodynamic stability) has been performed at Invitae for this missense variant, however the output from this modeling did not meet the statistical confidence thresholds required to predict the impact of this variant on MFN2 protein function. In summary, the available evidence is currently insufficient to determine the role of this variant in disease. Therefore, it has been classified as a Variant of Uncertain Significance. This missense change has been observed in individuals with Charcot-Marie-Tooth disease (PMID: 21508331, 22492563). This sequence change replaces histidine, which is basic and polar, with proline, which is neutral and non-polar, at codon 750 of the MFN2 protein (p.His750Pro). This variant is not present in population databases (gnomAD no frequency).

Inherited Neuropathy Consortium
Classification: Uncertain significance for Charcot-Marie-Tooth disease. Review status: no assertion criteria provided. Collection method: literature only. Allele origin: germline. Affected: yes. Not counted in ClinVar's aggregate classification.

Literature cited by the submitters: PubMed 21508331 (cited by Labcorp Genetics (formerly Invitae), Labcorp and Inherited Neuropathy Consortium); PubMed 22492563 (cited by Labcorp Genetics (formerly Invitae), Labcorp).

NM_014874.4(MFN2):c.2249A>C (p.His750Pro)

Gene: MFN2 (mitofusin 2; plus strand). Cytogenetic location: 1p36.22.
Variant type: single nucleotide variant.
Coding change: c.2249A>C on transcript NM_014874.4 (MANE Select); coding-DNA position 2249, A replaced by C.
Protein change: p.His750Pro; replaces histidine 750 with proline.
Molecular consequence: missense variant.
Genome position (GRCh38, 1-based): chr1:12,011,540, A>C. VCF-style: chr1-12011540-A-C. GRCh37 (hg19) VCF-style: chr1-12071597-A-C.
Other names: c.2249A>C, p.His750Pro (NM_001127660.2); short protein forms H750P.
Identifiers: ClinVar variation 637298 (VCV000637298.4), dbSNP rs1569890311, ClinGen allele CA338454503.
Genomic context (GRCh38, chr1:12,011,540, plus strand): 5'-AACCATTTCTTTGCAGGAATAAAGCCGGTTGGTTGGACAGTGAGCTCAACATGTTCACAC[A>C]CCAGTACCTGCAGCCCAGCAGATAGTGGGCACCTGAGGCGGAGTCTGCGTGGAGAGGGGC-3'
Protein context (NP_055689.1, residues 740-757): WLDSELNMFT[His750Pro]QYLQPSR